The following is an entry in ClinVar:

NM_000110.4(DPYD):c.2746del (p.Arg916fs)

Genes: DPYD (dihydropyrimidine dehydrogenase; minus strand), DPYD-AS1 (DPYD antisense RNA 1; plus strand). Cytogenetic location: 1p21.3.
Variant type: Deletion.
Coding change: c.2746del on transcript NM_000110.4 (MANE Select); coding-DNA position 2746, one base deleted (A; older notation c.2746delA).
Protein change: p.Arg916fs; shifts the reading frame from arginine 916.
Molecular consequence: frameshift variant.
Genome position (GRCh38, 1-based): chr1:97,098,509, T deleted on the plus strand (A on the coding strand, the reverse complement: DPYD is on the minus strand); the first of 4 consecutive T bases (chr1:97,098,509-97,098,512); deleting any one gives the same sequence. VCF-style (leftmost placement, unchanged base first): chr1-97098508-CT-C. GRCh37 (hg19) VCF-style: chr1-97564064-CT-C.
Other names: c.2746delA (NM_000110.3); short protein forms R916fs.
Identifiers: ClinVar variation 1722331 (VCV001722331.2), dbSNP rs778614771, ClinGen allele CA962958.

ClinVar aggregate classification (germline): Likely pathogenic. Review status: criteria provided, multiple submitters, no conflicts (2 of 4 stars). 2 submissions from 2 submitters: Likely pathogenic (2). Last evaluated 2024-02-06.

Conditions:
Dihydropyrimidine dehydrogenase deficiency (DPYDD). Also called: Hereditary Thymine-Uraciluria; DPD DEFICIENCY; DPYD DEFICIENCY. Identifiers: Orphanet 1675, MedGen C1959620, MONDO:0010130, OMIM 274270.

Submissions (2):

Baylor Genetics
Classification: Likely pathogenic for Dihydropyrimidine dehydrogenase deficiency. Last evaluated: 2024-02-06. Review status: criteria provided, single submitter. Criteria: ACMG Guidelines, 2015. Collection method: clinical testing. Allele origin: unknown.

Women's Health and Genetics/Laboratory Corporation of America, LabCorp
Classification: Likely pathogenic for Dihydropyrimidine dehydrogenase deficiency. Last evaluated: 2022-09-18. Review status: criteria provided, single submitter. Criteria: LabCorp Variant Classification Summary - May 2015. Collection method: clinical testing. Allele origin: germline.
Comment: Variant summary: DPYD c.2746delA (p.Arg916GlyfsX9) results in a premature termination codon, predicted to cause a truncation of the encoded protein or absence of the protein due to nonsense mediated decay, which are commonly known mechanisms for disease. The variant allele was found at a frequency of 1.2e-05 in 251070 control chromosomes (gnomAD). To our knowledge, no occurrence of c.2746delA in individuals affected with Dihydropyrimidine Dehydrogenase Deficiency and no experimental evidence demonstrating its impact on protein function have been reported. No clinical diagnostic laboratories have submitted clinical-significance assessments for this variant to ClinVar after 2014. Based on the evidence outlined above, the variant was classified as likely pathogenic.